The following is an entry in ClinVar:

NM_003070.5(SMARCA2):c.1746+10C>T

Gene: SMARCA2 (SWI/SNF related BAF chromatin remodeling complex subunit ATPase 2; plus strand). Cytogenetic location: 9p24.3.
Variant type: single nucleotide variant.
Coding change: c.1746+10C>T on transcript NM_003070.5 (MANE Select); 10 bases into the intron after coding-DNA position 1746, C replaced by T.
Molecular consequence: intron variant.
Genome position (GRCh38, 1-based): chr9:2,070,481, C>T. VCF-style: chr9-2070481-C-T. GRCh37 (hg19) VCF-style: chr9-2070481-C-T.
Other names: c.1746+10C>T (NM_139045.4, NM_001289397.2, NM_001289396.2 and 1 more transcripts).
Identifiers: ClinVar variation 366207 (VCV000366207.11), dbSNP rs140722679, ClinGen allele CA4963258.

ClinVar aggregate classification (germline): Benign/Likely benign. Review status: criteria provided, multiple submitters, no conflicts (2 of 4 stars). 4 submissions from 4 submitters: Benign (1); Likely benign (2). 1 of the submissions does not count toward it. Last evaluated 2025-07-06.

Conditions:
Nicolaides-Baraitser syndrome (NCBRS). Also called: SMARCA2-Related Nicolaides-Baraitser Syndrome; Intellectual disability-sparse hair-brachydactyly syndrome. Identifiers: Orphanet 3051, MedGen C1303073, MONDO:0011053, OMIM 601358.
SMARCA2-related disorder. Also called: SMARCA2-related condition.

Allele frequency attached by ClinVar (database versions not stated): ESP Exome Variant Server 0.00015; ExAC 0.00019; gnomAD exomes 0.00022; TOPMed 0.00042; gnomAD 0.00043 and 0.00044; 1000 Genomes Project 30x 0.00078; 1000 Genomes Project 0.00080.
gnomAD v4.1: 274 of 1,607,420 alleles (0.017%); highest among the groups gnomAD compares: African/African-American, 0.093%; no homozygotes.

Submissions (4):

Labcorp Genetics (formerly Invitae), Labcorp
Classification: Benign. Last evaluated: 2025-07-06. Review status: criteria provided, single submitter. Criteria: Invitae Variant Classification Sherloc (09022015). Collection method: clinical testing. Allele origin: germline.

Blueprint Genetics
Classification: Likely benign. Last evaluated: 2024-10-14. Review status: criteria provided, single submitter. Criteria: ACMG Guidelines, 2015. Collection method: clinical testing. Allele origin: germline.

Illumina Laboratory Services, Illumina
Classification: Likely benign for Nicolaides-Baraitser syndrome. Last evaluated: 2018-01-13. Review status: criteria provided, single submitter. Criteria: ICSL Variant Classification Criteria 13 December 2019. Collection method: clinical testing. Allele origin: germline.
Comment: This variant was observed in the ICSL laboratory as part of a predisposition screen in an ostensibly healthy population. It had not been previously curated by ICSL or reported in the Human Gene Mutation Database (HGMD: prior to June 1st, 2018), and was therefore a candidate for classification through an automated scoring system. Utilizing variant allele frequency, disease prevalence and penetrance estimates, and inheritance mode, an automated score was calculated to assess if this variant is too frequent to cause the disease. Based on the score and internal cut-off values, a variant classified as likely benign is not then subjected to further curation. The score for this variant resulted in a classification of likely benign for this disease.

PreventionGenetics, part of Exact Sciences
Classification: Likely benign for SMARCA2-related condition. Last evaluated: 2024-07-11. Review status: no assertion criteria provided. Collection method: clinical testing. Allele origin: germline. Not counted in ClinVar's aggregate classification.
Comment: This variant is classified as likely benign based on ACMG/AMP sequence variant interpretation guidelines (Richards et al. 2015 PMID: 25741868, with internal and published modifications).